The following is an entry in ClinVar:

ClinVar aggregate classification (germline): Uncertain significance. Review status: criteria provided, multiple submitters, no conflicts (2 of 4 stars). 2 submissions from 2 submitters: Uncertain significance (2). Last evaluated 2023-08-15.

gnomAD v4.1: 42 of 1,613,560 alleles (0.0026%); highest among the groups gnomAD compares: South Asian, 0.014%; 1 homozygote.

Submissions (2):

Ambry Genetics
Classification: Uncertain significance. Last evaluated: 2023-08-15. Review status: criteria provided, single submitter. Criteria: Ambry Variant Classification Scheme 2023. Collection method: clinical testing. Allele origin: germline.

Labcorp Genetics (formerly Invitae), Labcorp
Classification: Uncertain significance. Last evaluated: 2021-08-14. Review status: criteria provided, single submitter. Criteria: Invitae Variant Classification Sherloc (09022015). Collection method: clinical testing. Allele origin: germline.
Comment: This sequence change replaces serine with cysteine at codon 7 of the COX6A1 protein (p.Ser7Cys). The serine residue is weakly conserved and there is a moderate physicochemical difference between serine and cysteine. This variant is present in population databases (rs375856274, ExAC 0.009%). This variant has not been reported in the literature in individuals affected with COX6A1-related conditions. Algorithms developed to predict the effect of missense changes on protein structure and function are either unavailable or do not agree on the potential impact of this missense change (SIFT: "Tolerated"; PolyPhen-2: "Not Available"; Align-GVGD: "Class C0"). In summary, the available evidence is currently insufficient to determine the role of this variant in disease. Therefore, it has been classified as a Variant of Uncertain Significance.

NM_004373.4(COX6A1):c.20C>G (p.Ser7Cys)

Gene: COX6A1 (cytochrome c oxidase subunit 6A1; plus strand). Cytogenetic location: 12q24.31.
Variant type: single nucleotide variant.
Coding change: c.20C>G on transcript NM_004373.4 (MANE Select); coding-DNA position 20, C replaced by G.
Protein change: p.Ser7Cys; replaces serine 7 with cysteine.
Molecular consequence: missense variant.
Genome position (GRCh38, 1-based): chr12:120,438,146, C>G. VCF-style: chr12-120438146-C-G. GRCh37 (hg19) VCF-style: chr12-120875949-C-G.
Other names: c.20C>G (NM_004373.2); short protein forms S7C.
Identifiers: ClinVar variation 1444102 (VCV001444102.6), dbSNP rs375856274, ClinGen allele CA6827950.